The following is an entry in ClinVar:

NM_014000.3(VCL):c.2747C>T (p.Pro916Leu)

Gene: VCL (vinculin; plus strand). Cytogenetic location: 10q22.2.
Variant type: single nucleotide variant.
Coding change: c.2747C>T on transcript NM_014000.3 (MANE Select); coding-DNA position 2747, C replaced by T.
Protein change: p.Pro916Leu; replaces proline 916 with leucine.
Molecular consequence: missense variant. On other transcripts: intron variant (1).
Genome position (GRCh38, 1-based): chr10:74,111,910, C>T. VCF-style: chr10-74111910-C-T. GRCh37 (hg19) VCF-style: chr10-75871668-C-T.
Other names: c.2746-2274C>T (NM_003373.4); short protein forms P916L.
Identifiers: ClinVar variation 844982 (VCV000844982.13), dbSNP rs143321584, ClinGen allele CA209697674.

ClinVar aggregate classification (germline): Conflicting classifications of pathogenicity. Review status: criteria provided, conflicting classifications (1 of 4 stars). 6 submissions from 6 submitters: Uncertain significance (5); Likely benign (1). Last evaluated 2026-09-25.

Conditions:
Cardiovascular phenotype. Identifiers: MedGen CN230736.
Dilated cardiomyopathy 1W (CMD1W). Identifiers: Orphanet 154, MedGen C1969639, MONDO:0012667, OMIM 611407.
VCL-related disorder. Also called: VCL-related condition.
Hypertrophic cardiomyopathy 15. Identifiers: MedGen C2750459, MONDO:0013200, OMIM 613255.

Allele frequency attached by ClinVar (database versions not stated): gnomAD exomes 0.00002; TOPMed 0.00003; ESP Exome Variant Server 0.00008.
gnomAD v4.1: 19 of 1,614,218 alleles (0.0012%); highest among the groups gnomAD compares: African/African-American, 0.0027%; no homozygotes.

Submissions (6):

PreventionGenetics, part of Exact Sciences
Classification: Uncertain significance for VCL-related condition. Last evaluated: 2026-09-25. Review status: criteria provided, single submitter. Criteria: ACMG Guidelines, 2015. Collection method: clinical testing. Allele origin: germline.
Comment: The VCL c.2747C>T variant is predicted to result in the amino acid substitution p.Pro916Leu. This variant has been reported in the heterozygous state, along with a variant in the MYH7 gene, in an individual with dilated cardiomyopathy (Trakmulkichkarn et al. 2022. PubMed ID: 34159662). This variant is reported in 0.0035% of alleles in individuals of European (Non-Finnish) descent in gnomAD. At this time, the clinical significance of this variant is uncertain due to the absence of conclusive functional and genetic evidence.

Labcorp Genetics (formerly Invitae), Labcorp
Classification: Uncertain significance for Dilated cardiomyopathy 1W. Last evaluated: 2025-06-18. Review status: criteria provided, single submitter. Criteria: Invitae Variant Classification Sherloc (09022015). Collection method: clinical testing. Allele origin: germline.
Comment: This sequence change replaces proline, which is neutral and non-polar, with leucine, which is neutral and non-polar, at codon 916 of the VCL protein (p.Pro916Leu). This variant is present in population databases (rs143321584, gnomAD 0.003%). This variant has not been reported in the literature in individuals affected with VCL-related conditions. ClinVar contains an entry for this variant (Variation ID: 844982). An algorithm developed to predict the effect of missense changes on protein structure and function outputs the following: PolyPhen-2: "Benign". The leucine amino acid residue is found in multiple mammalian species, which suggests that this missense change does not adversely affect protein function. In summary, the available evidence is currently insufficient to determine the role of this variant in disease. Therefore, it has been classified as a Variant of Uncertain Significance.

Women's Health and Genetics/Laboratory Corporation of America, LabCorp
Classification: Uncertain significance. Last evaluated: 2025-02-03. Review status: criteria provided, single submitter. Criteria: LabCorp Variant Classification Summary - May 2015. Collection method: clinical testing. Allele origin: germline.

Ambry Genetics
Classification: Likely benign for Cardiovascular phenotype. Last evaluated: 2024-05-23. Review status: criteria provided, single submitter. Criteria: Ambry Variant Classification Scheme 2023. Collection method: clinical testing. Allele origin: germline.

Fulgent Genetics
Classification: Uncertain significance for Dilated cardiomyopathy 1W; Hypertrophic cardiomyopathy 15. Last evaluated: 2021-08-30. Review status: criteria provided, single submitter. Criteria: ACMG Guidelines, 2015. Collection method: clinical testing. Allele origin: unknown.

Blueprint Genetics
Classification: Uncertain significance. Last evaluated: 2021-06-03. Review status: criteria provided, single submitter. Criteria: ACMG Guidelines, 2015. Collection method: clinical testing. Allele origin: germline.